The following is an entry in ClinVar:

ClinVar aggregate classification (germline): Uncertain significance (1 of 4 stars; one submission).

Submission:

Labcorp Genetics (formerly Invitae), Labcorp
Classification: Uncertain significance. Last evaluated: 2024-09-21. Review status: criteria provided, single submitter. Criteria: Invitae Variant Classification Sherloc (09022015). Collection method: clinical testing. Allele origin: germline.
Comment: This sequence change replaces methionine, which is neutral and non-polar, with threonine, which is neutral and polar, at codon 1998 of the NSD1 protein (p.Met1998Thr). This variant is not present in population databases (gnomAD no frequency). This variant has not been reported in the literature in individuals affected with NSD1-related conditions. Invitae Evidence Modeling of protein sequence and biophysical properties (such as structural, functional, and spatial information, amino acid conservation, physicochemical variation, residue mobility, and thermodynamic stability) indicates that this missense variant is expected to disrupt NSD1 protein function with a positive predictive value of 95%. In summary, the available evidence is currently insufficient to determine the role of this variant in disease. Therefore, it has been classified as a Variant of Uncertain Significance.

NM_022455.5(NSD1):c.5993T>C (p.Met1998Thr)

Gene: NSD1 (nuclear receptor binding SET domain protein 1; plus strand). Cytogenetic location: 5q35.3.
Variant type: single nucleotide variant.
Coding change: c.5993T>C on transcript NM_022455.5 (MANE Select); coding-DNA position 5993, T replaced by C.
Protein change: p.Met1998Thr; replaces methionine 1998 with threonine.
Molecular consequence: missense variant.
Genome position (GRCh38, 1-based): chr5:177,282,565, T>C. VCF-style: chr5-177282565-T-C. GRCh37 (hg19) VCF-style: chr5-176709566-T-C.
Other names: c.5120T>C, p.Met1707Thr (NM_001365684.2, NM_001409308.1, NM_001409309.1 and 1 more transcripts); c.5993T>C, p.Met1998Thr (NM_001409301.1, NM_001409302.1, NM_001409303.1); c.5573T>C, p.Met1858Thr (NM_001409304.1); c.5240T>C, p.Met1747Thr (NM_001409305.1); c.5231T>C, p.Met1744Thr (NM_001409306.1, NM_001409307.1); short protein forms M1747T, M1744T, M1998T, M1707T, M1858T.
Identifiers: ClinVar variation 3671675 (VCV003671675.2).
Genomic context (GRCh38, chr5:177,282,565, plus strand): 5'-AAGAAGAATGCAGAGCTCGAATTCGCTATGCTCAAGAACATGATATCACTAATTTCTATA[T>C]GCTCACCCTAGACAAAGTAAGTAATGGGAAATGCTGTTTTCACTGTTACAAGATTGTAAA-3'
Protein context (NP_071900.2, residues 1988-2008): AQEHDITNFY[Met1998Thr]LTLDKDRIID